The following is an entry in ClinVar:

NM_000091.5(COL4A3):c.1591C>T (p.Gln531Ter)

Genes: COL4A3 (collagen type IV alpha 3 chain; plus strand), MFF-DT (MFF divergent transcript; minus strand). Cytogenetic location: 2q36.3.
Variant type: single nucleotide variant.
Coding change: c.1591C>T on transcript NM_000091.5 (MANE Select); coding-DNA position 1591, C replaced by T.
Protein change: p.Gln531Ter; replaces glutamine 531 with a stop codon.
Molecular consequence: nonsense.
Genome position (GRCh38, 1-based): chr2:227,270,785, C>T. VCF-style: chr2-227270785-C-T. GRCh37 (hg19) VCF-style: chr2-228135501-C-T.
Other names: short protein forms Q531*.
Identifiers: ClinVar variation 1069759 (VCV001069759.7), dbSNP rs2125991063, ClinGen allele CA350871515.

ClinVar aggregate classification (germline): Pathogenic (1 of 4 stars; one submission).

Submission:

Labcorp Genetics (formerly Invitae), Labcorp
Classification: Pathogenic. Last evaluated: 2021-06-13. Review status: criteria provided, single submitter. Criteria: Invitae Variant Classification Sherloc (09022015). Collection method: clinical testing. Allele origin: germline.
Comment: This sequence change creates a premature translational stop signal (p.Gln531*) in the COL4A3 gene. It is expected to result in an absent or disrupted protein product. This variant is not present in population databases (ExAC no frequency). For these reasons, this variant has been classified as Pathogenic. Loss-of-function variants in COL4A3 are known to be pathogenic (PMID: 8956999, 24854265, 26809805, 27281700). This variant has not been reported in the literature in individuals with COL4A3-related conditions.

Literature cited by the submitters: PubMed 8956999; PubMed 24854265; PubMed 26809805; PubMed 27281700.